The following is an entry in ClinVar:

NM_206933.4(USH2A):c.1160T>C (p.Ile387Thr)

Gene: USH2A (usherin; minus strand). Cytogenetic location: 1q41.
Variant type: single nucleotide variant.
Coding change: c.1160T>C on transcript NM_206933.4 (MANE Select); coding-DNA position 1160, T replaced by C.
Protein change: p.Ile387Thr; replaces isoleucine 387 with threonine.
Molecular consequence: missense variant.
Genome position (GRCh38, 1-based): chr1:216,324,336, A>G on the plus strand (T>C on the coding strand, the complement: USH2A is on the minus strand). VCF-style: chr1-216324336-A-G. GRCh37 (hg19) VCF-style: chr1-216497678-A-G.
Other names: c.1160T>C, p.Ile387Thr (NM_007123.6); short protein forms I387T.
Identifiers: ClinVar variation 2120618 (VCV002120618.4), dbSNP rs2527436677, ClinGen allele CA344912110.

ClinVar aggregate classification (germline): Uncertain significance (1 of 4 stars; one submission).

Allele frequency attached by ClinVar (database versions not stated): gnomAD exomes below 0.00001.
gnomAD v4.1: 2 of 1,611,592 alleles (0.00012%); highest among the groups gnomAD compares: Non-Finnish European, 0.00017%; no homozygotes.

Submission:

Labcorp Genetics (formerly Invitae), Labcorp
Classification: Uncertain significance. Last evaluated: 2022-04-01. Review status: criteria provided, single submitter. Criteria: Invitae Variant Classification Sherloc (09022015). Collection method: clinical testing. Allele origin: germline.
Comment: In summary, the available evidence is currently insufficient to determine the role of this variant in disease. Therefore, it has been classified as a Variant of Uncertain Significance. Algorithms developed to predict the effect of missense changes on protein structure and function (SIFT, PolyPhen-2, Align-GVGD) all suggest that this variant is likely to be tolerated. This variant has not been reported in the literature in individuals affected with USH2A-related conditions. This variant is not present in population databases (gnomAD no frequency). This sequence change replaces isoleucine, which is neutral and non-polar, with threonine, which is neutral and polar, at codon 387 of the USH2A protein (p.Ile387Thr).